The following is an entry in ClinVar:

NM_002113.3(CFHR1):c.435T>G (p.Thr145=)

Gene: CFHR1 (complement factor H related 1; plus strand). Cytogenetic location: 1q31.3.
Variant type: single nucleotide variant.
Coding change: c.435T>G on transcript NM_002113.3 (MANE Select); coding-DNA position 435, T replaced by G.
Protein change: p.Thr145=; no amino-acid change (threonine 145 retained).
Molecular consequence: synonymous variant. On other transcripts: intron variant (1).
Genome position (GRCh38, 1-based): chr1:196,828,074, T>G. VCF-style: chr1-196828074-T-G. GRCh37 (hg19) VCF-style: chr1-196797204-T-G.
Other names: p.Thr145=; c.384T>G, p.Thr128= (NM_001379306.1); c.273T>G, p.Thr91= (NM_001379307.1); c.270T>G, p.Thr90= (NM_001379308.1); c.267T>G, p.Thr89= (NM_001379309.1); c.240T>G, p.Thr80= (NM_001379310.1); c.192T>G, p.Thr64= (NM_001379312.1); c.254-23T>G (NM_001379311.1).
Identifiers: ClinVar variation 3067191 (VCV003067191.22), dbSNP rs513729, ClinGen allele CA1306486.

ClinVar aggregate classification (germline): Likely benign. Review status: criteria provided, multiple submitters, no conflicts (2 of 4 stars). 2 submissions from 2 submitters: Likely benign (2). Last evaluated 2025-04-07.

Allele frequency attached by ClinVar (database versions not stated): ESP Exome Variant Server 0.00067; gnomAD exomes 0.00065.
gnomAD v4.1: 986 of 1,493,128 alleles (0.066%); highest among the groups gnomAD compares: Non-Finnish European, 0.076%; 185 homozygotes.

Submissions (2):

Mayo Clinic Laboratories, Mayo Clinic
Classification: Likely benign. Last evaluated: 2025-04-07. Review status: criteria provided, single submitter. Criteria: ACMG Guidelines, 2015. Collection method: clinical testing. Allele origin: germline. Observed: 2 variant alleles.
Comment: BP4, BP7

CeGaT Center for Human Genetics Tuebingen
Classification: Likely benign. Last evaluated: 2025-04-01. Review status: criteria provided, single submitter. Criteria: CeGaT Center For Human Genetics Tuebingen Variant Classification Criteria Version 2. Collection method: clinical testing. Allele origin: germline. Affected: yes. Observed: 3 variant alleles.
Comment: CFHR1: BP4, BP7, BS2